The following is an entry in ClinVar:

NM_005228.5(EGFR):c.1540G>A (p.Gly514Ser)

Gene: EGFR (epidermal growth factor receptor; plus strand). Cytogenetic location: 7p11.2.
Variant type: single nucleotide variant.
Coding change: c.1540G>A on transcript NM_005228.5 (MANE Select); coding-DNA position 1540, G replaced by A.
Protein change: p.Gly514Ser; replaces glycine 514 with serine.
Molecular consequence: missense variant.
Genome position (GRCh38, 1-based): chr7:55,161,540, G>A. VCF-style: chr7-55161540-G-A. GRCh37 (hg19) VCF-style: chr7-55229233-G-A.
Other names: c.1405G>A, p.Gly469Ser (NM_001346897.2, NM_001346899.2); c.1540G>A, p.Gly514Ser (NM_001346898.2, NM_201282.2, NM_201284.2); c.1381G>A, p.Gly461Ser (NM_001346900.2); c.739G>A, p.Gly247Ser (NM_001346941.2); short protein forms G469S, G461S, G514S, G247S.
Identifiers: ClinVar variation 1485337 (VCV001485337.8), dbSNP rs2128942803, ClinGen allele CA367579851.
Genomic context (GRCh38, chr7:55,161,540, plus strand): 5'-ACCCACTCTGTCTCCGCAGAGGCCACAGGCCAGGTCTGCCATGCCTTGTGCTCCCCCGAG[G>A]GCTGCTGGGGCCCGGAGCCCAGGGACTGCGTCTCTTGCCGGAATGTCAGCCGAGGCAGGG-3'
Protein context (NP_005219.2, residues 504-524): QVCHALCSPE[Gly514Ser]CWGPEPRDCV

ClinVar aggregate classification (germline): Uncertain significance (1 of 4 stars; one submission).

Conditions:
EGFR-related lung cancer (EGFR). Identifiers: MedGen CN130014.

Allele frequency attached by ClinVar (database versions not stated): gnomAD exomes below 0.00001.
gnomAD v4.1: 1 of 1,614,260 alleles (0.000062%); highest among the groups gnomAD compares: Non-Finnish European, 0.000085%; no homozygotes.

Submission:

Labcorp Genetics (formerly Invitae), Labcorp
Classification: Uncertain significance for EGFR-related lung cancer. Last evaluated: 2021-03-06. Review status: criteria provided, single submitter. Criteria: Invitae Variant Classification Sherloc (09022015). Collection method: clinical testing. Allele origin: germline.
Comment: This sequence change replaces glycine with serine at codon 514 of the EGFR protein (p.Gly514Ser). The glycine residue is highly conserved and there is a small physicochemical difference between glycine and serine. This variant is not present in population databases (ExAC no frequency). This variant has not been reported in the literature in individuals with EGFR-related conditions. Algorithms developed to predict the effect of missense changes on protein structure and function are either unavailable or do not agree on the potential impact of this missense change (SIFT: "Deleterious"; PolyPhen-2: "Probably Damaging"; Align-GVGD: "Class C0"). In summary, the available evidence is currently insufficient to determine the role of this variant in disease. Therefore, it has been classified as a Variant of Uncertain Significance.